The following is an entry in ClinVar:

NM_004577.4(PSPH):c.301C>T (p.Arg101Ter)

Gene: PSPH (phosphoserine phosphatase; minus strand). Cytogenetic location: 7p11.2.
Variant type: single nucleotide variant.
Coding change: c.301C>T on transcript NM_004577.4 (MANE Select); coding-DNA position 301, C replaced by T.
Protein change: p.Arg101Ter; replaces arginine 101 with a stop codon.
Molecular consequence: nonsense.
Genome position (GRCh38, 1-based): chr7:56,017,354, G>A on the plus strand (C>T on the coding strand, the complement: PSPH is on the minus strand). VCF-style: chr7-56017354-G-A. GRCh37 (hg19) VCF-style: chr7-56085047-G-A.
Other names: c.301C>T, p.Arg101Ter (NM_001370503.1, NM_001370504.1, NM_001370505.1 and 17 more transcripts); short protein forms R101*.
Identifiers: ClinVar variation 978149 (VCV000978149.4), dbSNP rs1264747554, ClinGen allele CA367596152.

ClinVar aggregate classification (germline): Likely pathogenic. Review status: criteria provided, multiple submitters, no conflicts (2 of 4 stars). 2 submissions from 2 submitters: Likely pathogenic (2). Last evaluated 2025-08-21.

Conditions:
Deficiency of phosphoserine phosphatase (PSPHD). Also called: Phosphoserine phosphatase deficiency; PSPH deficiency. Identifiers: Orphanet 79350, MedGen C1291463, MONDO:0013531, OMIM 614023.

Allele frequency attached by ClinVar (database versions not stated): gnomAD exomes 0.00001.
gnomAD v4.1: 9 of 1,604,180 alleles (0.00056%); highest among the groups gnomAD compares: Non-Finnish European, 0.00068%; no homozygotes.

Submissions (2):

Victorian Clinical Genetics Services, Murdoch Childrens Research Institute
Classification: Likely pathogenic for Deficiency of phosphoserine phosphatase. Last evaluated: 2025-08-21. Review status: criteria provided, single submitter. Criteria: ACMG Guidelines, 2015. Collection method: clinical testing. Allele origin: germline. Affected: yes.
Comment: This variant is classified as Likely pathogenic. Evidence in support of pathogenic classification: Variant is predicted to cause nonsense-mediated decay (NMD) and loss of protein (premature termination codon is located at least 54 nucleotides upstream of the final exon-exon junction); Variant is present in gnomAD <0.01 for a recessive condition (v4: 9 heterozygote(s), 0 homozygote(s)); This variant has limited previous evidence of pathogenicity in an unrelated individuals. This variant has been classified as likely pathogenic by a clinical laboratory in ClinVar; Another NMD predicted variant comparable to the one identified in this case has limited previous evidence for pathogenicity. The NM_004577.4(PSPH):c.340del; p.(Ser114ValfsTer3) variant has been classified as likely pathogenic by a clinical laboratory in ClinVar. Additional information: This variant is heterozygous; This gene is associated with autosomal recessive disease; No published evidence of segregation with disease has been identified for this variant; No published functional evidence has been identified for this variant; Loss of function is a known mechanism of disease in this gene and is associated with disease (phosphoserine phosphatase deficiency MIM#614023; PMID: 14673469); Inheritance information for this variant is not currently available in this individual.

New York Genome Center
Classification: Likely pathogenic for Deficiency of phosphoserine phosphatase. Last evaluated: 2022-01-07. Review status: criteria provided, single submitter. Criteria: NYGC Assertion Criteria 2020. Collection method: clinical testing. Allele origin: inherited. Observed: 1 heterozygote. Study: CSER-NYCKidSeq.
Comment: The c.301C>T (p.Arg101Ter) variant identified in the PSPH gene leads to the premature termination of the protein at amino acid 101/226 (coding exon 6/8). This variant is absent from gnomAD suggesting it is not a common benign variant in the populations represented in this database. This variant is absent from ClinVar and to our current knowledge has not been reported in affected individuals in the literature. Whole genome sequencing did not identify a deep intronic or copy number variant in PSPH, although little is known regarding cisor transregulatory elements of this gene and very few patients have been reported to date. Given its deleterious nature and absence in population databases, the c.301C>T (p.Arg101Ter) variant identified in the PSPH gene is reported here as Likely Pathogenic.

Literature cited by the submitters: PubMed 14673469 (cited by Victorian Clinical Genetics Services, Murdoch Childrens Research Institute).